The following is an entry in ClinVar:

ClinVar aggregate classification (germline): Uncertain significance (1 of 4 stars; one submission).

gnomAD v4.1: 12 of 1,613,818 alleles (0.00074%); highest among the groups gnomAD compares: Non-Finnish European, 0.00085%; no homozygotes.

Submission:

Ambry Genetics
Classification: Uncertain significance. Last evaluated: 2024-06-17. Review status: criteria provided, single submitter. Criteria: Ambry Variant Classification Scheme 2023. Collection method: clinical testing. Allele origin: germline.
Comment: The c.143A>G (p.D48G) alteration is located in exon (coding exon ) of the MPPED1 gene. This alteration results from a A to G substitution at nucleotide position 143, causing the aspartic acid (D) at amino acid position 48 to be replaced by a glycine (G). Based on insufficient or conflicting evidence, the clinical significance of this alteration remains unclear.

NM_001044370.2(MPPED1):c.143A>G (p.Asp48Gly)

Gene: MPPED1 (metallophosphoesterase domain containing 1; plus strand). Cytogenetic location: 22q13.2.
Variant type: single nucleotide variant.
Coding change: c.143A>G on transcript NM_001044370.2 (MANE Select); coding-DNA position 143, A replaced by G.
Protein change: p.Asp48Gly; replaces aspartic acid 48 with glycine.
Molecular consequence: missense variant.
Genome position (GRCh38, 1-based): chr22:43,425,128, A>G. VCF-style: chr22-43425128-A-G. GRCh37 (hg19) VCF-style: chr22-43821134-A-G.
Other names: c.143A>G, p.Asp48Gly (NM_001362786.2); short protein forms D48G.
Identifiers: ClinVar variation 3295747 (VCV003295747.1).